The following is an entry in ClinVar:

NM_000090.4(COL3A1):c.1548dup (p.Pro517fs)

Gene: COL3A1 (collagen type III alpha 1 chain; plus strand). Cytogenetic location: 2q32.2.
Variant type: Duplication.
Coding change: c.1548dup on transcript NM_000090.4 (MANE Select); coding-DNA position 1548, one base duplicated (G; older notation c.1548dupG).
Protein change: p.Pro517fs; shifts the reading frame from proline 517.
Molecular consequence: frameshift variant.
Genome position (GRCh38, 1-based): chr2:188,995,730, G duplicated; the last of 3 consecutive G bases (chr2:188,995,728-188,995,730); duplicating any one gives the same sequence. VCF-style (leftmost placement, unchanged base first): chr2-188995727-A-AG. GRCh37 (hg19) VCF-style: chr2-189860453-A-AG.
Other names: c.1548dupG (NM_000090.4); short protein forms P517fs.
Identifiers: ClinVar variation 1455006 (VCV001455006.7), dbSNP rs2153502552, ClinGen allele CA2573133083.

ClinVar aggregate classification (germline): Pathogenic. Review status: criteria provided, multiple submitters, no conflicts (2 of 4 stars). 2 submissions from 2 submitters: Pathogenic (2). Last evaluated 2025-10-31.

Conditions:
Ehlers-Danlos syndrome, type 4 (EDSVASC). Also called: Ehlers-Danlos syndrome vascular type; Ehlers Danlos syndrome, ecchymotic type; Ehlers Danlos syndrome, arterial type; Ehlers Danlos syndrome, Sack-Barabas type; Ehlers-Danlos Syndrome Type IV. Identifiers: Orphanet 286, MedGen C0268338, MONDO:0017314, OMIM 130050.
Polymicrogyria with or without vascular-type Ehlers-Danlos syndrome. Identifiers: Orphanet 636941, MedGen C5193040, MONDO:0032688, OMIM 618343.

Submissions (2):

Women's Health and Genetics/Laboratory Corporation of America, LabCorp
Classification: Pathogenic for Polymicrogyria with or without vascular-type Ehlers-Danlos syndrome. Last evaluated: 2025-10-31. Review status: criteria provided, single submitter. Criteria: LabCorp Variant Classification Summary - May 2015. Collection method: clinical testing. Allele origin: germline.
Comment: Variant summary: COL3A1 c.1548dupG (p.Pro517AlafsX32) results in a premature termination codon, predicted to cause a truncation of the encoded protein or absence of the protein due to nonsense mediated decay, which are commonly known mechanisms for disease. The variant was absent in 173460 control chromosomes. To our knowledge, no occurrence of c.1548dupG in individuals affected with COL3A1-related conditions and no experimental evidence demonstrating its impact on protein function have been reported. ClinVar contains an entry for this variant (Variation ID: 1455006). Based on the evidence outlined above, the variant was classified as pathogenic.

Labcorp Genetics (formerly Invitae), Labcorp
Classification: Pathogenic for Ehlers-Danlos syndrome, type 4. Last evaluated: 2021-10-19. Review status: criteria provided, single submitter. Criteria: Invitae Variant Classification Sherloc (09022015). Collection method: clinical testing. Allele origin: germline.
Comment: This sequence change creates a premature translational stop signal (p.Pro517Alafs*32) in the COL3A1 gene. It is expected to result in an absent or disrupted protein product. Loss-of-function variants in COL3A1 are known to be pathogenic (PMID: 24922459). This variant is not present in population databases (gnomAD no frequency). This variant has not been reported in the literature in individuals affected with COL3A1-related conditions. For these reasons, this variant has been classified as Pathogenic.

Literature cited by the submitters: PubMed 24922459 (cited by Labcorp Genetics (formerly Invitae), Labcorp).